The following is an entry in ClinVar:

NM_001128178.3(NPHP1):c.1382C>G (p.Thr461Ser)

Gene: NPHP1 (nephrocystin 1; minus strand). Cytogenetic location: 2q13.
Variant type: single nucleotide variant.
Coding change: c.1382C>G on transcript NM_001128178.3 (MANE Select); coding-DNA position 1382, C replaced by G.
Protein change: p.Thr461Ser; replaces threonine 461 with serine.
Molecular consequence: missense variant.
Genome position (GRCh38, 1-based): chr2:110,144,540, G>C on the plus strand (C>G on the coding strand, the complement: NPHP1 is on the minus strand). VCF-style: chr2-110144540-G-C. GRCh37 (hg19) VCF-style: chr2-110902117-G-C.
Other names: p.Thr517Ser; c.1550C>G, p.Thr517Ser (NM_000272.5); c.1193C>G, p.Thr398Ser (NM_001128179.3); c.1379C>G, p.Thr460Ser (NM_001374256.1); c.1382C>G, p.Thr461Ser (NM_001374257.1); c.1547C>G, p.Thr516Ser (NM_207181.4); c.1550C>G (NM_000272.4); short protein forms T461S, T398S, T516S, T517S, T460S.
Identifiers: ClinVar variation 662925 (VCV000662925.10), dbSNP rs189982575, ClinGen allele CA1827036.

ClinVar aggregate classification (germline): Uncertain significance. Review status: criteria provided, multiple submitters, no conflicts (2 of 4 stars). 5 submissions from 5 submitters: Uncertain significance (4). 1 of the submissions does not count toward it. Last evaluated 2024-11-12.

Conditions:
NPHP1-related disorder. Also called: NPHP1-related disorders; NPHP1-related condition.
Nephronophthisis. Also called: Juvenile Nephronophthisis. Identifiers: Orphanet 655, MedGen C0687120, MONDO:0019005, HP:0000090.
Senior-Loken syndrome 1 (SLSN1). Also called: JUVENILE NEPHRONOPHTHISIS WITH LEBER AMAUROSIS. Identifiers: Orphanet 3156, MedGen C4551559, MONDO:0009962, OMIM 266900.
Joubert syndrome with renal defect. Also called: JOUBERT SYNDROME 4. Identifiers: Orphanet 220497, MedGen C1846790, MONDO:0012308, OMIM 609583.
Nephronophthisis 1 (NPHP1). Also called: Nephronophthisis familial juvenile. Identifiers: Orphanet 655, Orphanet 93592, MedGen C1855681, MONDO:0009728, OMIM 256100.

Allele frequency attached by ClinVar (database versions not stated): gnomAD exomes 0.00002; ExAC 0.00005; gnomAD 0.00026 and 0.00028; 1000 Genomes Project 0.00040; TOPMed 0.00045; 1000 Genomes Project 30x 0.00062.
gnomAD v4.1: 66 of 1,604,812 alleles (0.0041%); highest among the groups gnomAD compares: Admixed American, 0.073%; no homozygotes.

Submissions (5):

Mayo Clinic Laboratories, Mayo Clinic
Classification: Uncertain significance. Last evaluated: 2024-11-12. Review status: criteria provided, single submitter. Criteria: ACMG Guidelines, 2015. Collection method: clinical testing. Allele origin: germline. Observed: 1 variant allele.
Comment: BP4

Fulgent Genetics
Classification: Uncertain significance for Nephronophthisis 1; Senior-Loken syndrome 1; Joubert syndrome with renal defect. Last evaluated: 2024-04-11. Review status: criteria provided, single submitter. Criteria: ACMG Guidelines, 2015. Collection method: clinical testing. Allele origin: germline.

Blueprint Genetics
Classification: Uncertain significance. Last evaluated: 2023-07-07. Review status: criteria provided, single submitter. Criteria: ACMG Guidelines, 2015. Collection method: clinical testing. Allele origin: germline.

Labcorp Genetics (formerly Invitae), Labcorp
Classification: Uncertain significance for Nephronophthisis. Last evaluated: 2022-08-16. Review status: criteria provided, single submitter. Criteria: Invitae Variant Classification Sherloc (09022015). Collection method: clinical testing. Allele origin: germline.
Comment: This sequence change replaces threonine, which is neutral and polar, with serine, which is neutral and polar, at codon 517 of the NPHP1 protein (p.Thr517Ser). This variant is present in population databases (rs189982575, gnomAD 0.009%). This variant has not been reported in the literature in individuals affected with NPHP1-related conditions. ClinVar contains an entry for this variant (Variation ID: 662925). Algorithms developed to predict the effect of missense changes on protein structure and function are either unavailable or do not agree on the potential impact of this missense change (SIFT: "Deleterious"; PolyPhen-2: "Probably Damaging"; Align-GVGD: "Class C0"). Algorithms developed to predict the effect of sequence changes on RNA splicing suggest that this variant may create or strengthen a splice site. In summary, the available evidence is currently insufficient to determine the role of this variant in disease. Therefore, it has been classified as a Variant of Uncertain Significance.

PreventionGenetics, part of Exact Sciences
Classification: Uncertain significance for NPHP1-related condition. Last evaluated: 2024-03-20. Review status: no assertion criteria provided. Collection method: clinical testing. Allele origin: germline. Not counted in ClinVar's aggregate classification.
Comment: The NPHP1 c.1550C>G variant is predicted to result in the amino acid substitution p.Thr517Ser. To our knowledge, this variant has not been reported in the literature. This variant is reported in 0.0085% of alleles in individuals of Latino descent in gnomAD. At this time, the clinical significance of this variant is uncertain due to the absence of conclusive functional and genetic evidence.